The following is an entry in ClinVar:

ClinVar aggregate classification (germline): Pathogenic (1 of 4 stars; one submission).

Submission:

GeneDx
Classification: Pathogenic. Last evaluated: 2018-04-16. Review status: criteria provided, single submitter. Criteria: GeneDx Variant Classification (06012015). Collection method: clinical testing. Allele origin: germline. Affected: yes.
Comment: Although the c.1719dupC pathogenic variant in the ENG gene has not been reported to our knowledge, this variant causes a shift in reading frame starting at codon isoleucine 574, changing it to a histidine, and creating a premature stop codon at position 5 of the new reading frame, denoted p.Ile574HisfsX5. This pathogenic variant is expected to result in an abnormal, truncated protein product due to the loss of the last 52 amino acids which are replaced with four incorrect amino acids. Other downstream truncating variants in the ENG gene have been reported in the Human Gene Mutation Database in association with HHT (Stenson et al., 2014). Furthermore, the c.1719dupC variant has not been observed in large population cohorts (Lek et al., 2016).

NM_001114753.3(ENG):c.1719dup (p.Ile574fs)

Genes: ENG (endoglin; minus strand), LOC102723566 (uncharacterized LOC102723566; plus strand). Cytogenetic location: 9q34.11.
Variant type: Duplication.
Coding change: c.1719dup on transcript NM_001114753.3 (MANE Select); coding-DNA position 1719, one base duplicated (C; older notation c.1719dupC).
Protein change: p.Ile574fs; shifts the reading frame from isoleucine 574.
Molecular consequence: frameshift variant. On other transcripts: non-coding transcript variant (1).
Genome position (GRCh38, 1-based): chr9:127,817,171, G duplicated on the plus strand (C on the coding strand, the reverse complement: ENG is on the minus strand). VCF-style (leftmost placement, unchanged base first): chr9-127817170-T-TG. GRCh37 (hg19) VCF-style: chr9-130579449-T-TG.
Other names: c.1719dup, p.Ile574Hisfs (NM_000118.4); c.1173dup, p.Ile392fs (NM_001278138.2); short protein forms I392fs, I574fs.
Identifiers: ClinVar variation 524087 (VCV000524087.4), dbSNP rs1554809093, ClinGen allele CA658797273.